The following is an entry in ClinVar:

ClinVar aggregate classification (germline): Likely benign. Review status: criteria provided, multiple submitters, no conflicts (2 of 4 stars). 3 submissions from 3 submitters: Likely benign (3). Last evaluated 2025-12-06.

Conditions:
LAMA2-related muscular dystrophy (LAMA2-RD). Also called: Laminin alpha 2-related dystrophy. Identifiers: MedGen C5679788, MONDO:0100228.

Allele frequency attached by ClinVar (database versions not stated): TOPMed 0.00005; ExAC 0.00002; gnomAD exomes 0.00003; gnomAD 0.00005.
gnomAD v4.1: 158 of 1,588,528 alleles (0.0099%); highest among the groups gnomAD compares: Non-Finnish European, 0.013%; no homozygotes.

Submissions (3):

Labcorp Genetics (formerly Invitae), Labcorp
Classification: Likely benign for LAMA2-related muscular dystrophy. Last evaluated: 2025-12-06. Review status: criteria provided, single submitter. Criteria: Invitae Variant Classification Sherloc (09022015). Collection method: clinical testing. Allele origin: germline.

Blueprint Genetics
Classification: Likely benign. Last evaluated: 2022-10-04. Review status: criteria provided, single submitter. Criteria: ACMG Guidelines, 2015. Collection method: clinical testing. Allele origin: germline.

GeneDx
Classification: Likely benign. Last evaluated: 2017-11-02. Review status: criteria provided, single submitter. Criteria: GeneDx Variant Classification (06012015). Collection method: clinical testing. Allele origin: germline. Affected: yes.
Comment: This variant is considered likely benign or benign based on one or more of the following criteria: it is a conservative change, it occurs at a poorly conserved position in the protein, it is predicted to be benign by multiple in silico algorithms, and/or has population frequency not consistent with disease.

NM_000426.4(LAMA2):c.5454G>A (p.Lys1818=)

Gene: LAMA2 (laminin subunit alpha 2; plus strand). Cytogenetic location: 6q22.33.
Variant type: single nucleotide variant.
Coding change: c.5454G>A on transcript NM_000426.4 (MANE Select); coding-DNA position 5454, G replaced by A.
Protein change: p.Lys1818=; no amino-acid change (lysine 1818 retained).
Molecular consequence: synonymous variant.
Genome position (GRCh38, 1-based): chr6:129,401,232, G>A. VCF-style: chr6-129401232-G-A. GRCh37 (hg19) VCF-style: chr6-129722377-G-A.
Other names: c.5454G>A, p.Lys1818= (NM_001079823.2).
Identifiers: ClinVar variation 512980 (VCV000512980.13), dbSNP rs759312395, ClinGen allele CA3993887.